The following is an entry in ClinVar:

ClinVar aggregate classification (germline): Pathogenic. Review status: criteria provided, multiple submitters, no conflicts (2 of 4 stars). 2 submissions from 2 submitters: Pathogenic (2). Last evaluated 2025-02-06.

Conditions:
Severe myoclonic epilepsy in infancy (DRVT). Also called: DEVELOPMENTAL AND EPILEPTIC ENCEPHALOPATHY 6A; Severe Myoclonic Epilepsy in Infancy (SMEI); Dravet syndrome; Epileptic encephalopathy, early infantile, 6 (Dravet syndrome); SEVERE MYOCLONIC EPILEPSY OF INFANCY. Identifiers: Orphanet 33069, MedGen C0751122, MONDO:0100135, OMIM 607208.
Early-infantile DEE. Also called: Early infantile epileptic encephalopathy; Ohtahara syndrome; Early infantile epileptic encephalopathy with suppression bursts. Identifiers: Orphanet 1934, MedGen C0393706, MONDO:0800491.

Submissions (2):

Labcorp Genetics (formerly Invitae), Labcorp
Classification: Pathogenic for Early-infantile DEE. Last evaluated: 2025-02-06. Review status: criteria provided, single submitter. Criteria: Invitae Variant Classification Sherloc (09022015). Collection method: clinical testing. Allele origin: germline.
Comment: This sequence change creates a premature translational stop signal (p.Asp43Argfs*2) in the SCN1A gene. It is expected to result in an absent or disrupted protein product. Loss-of-function variants in SCN1A are known to be pathogenic (PMID: 17347258, 18930999). This variant is not present in population databases (gnomAD no frequency). This premature translational stop signal has been observed in individual(s) with Dravet syndrome (PMID: 38221827). ClinVar contains an entry for this variant (Variation ID: 801826). For these reasons, this variant has been classified as Pathogenic.

Mendelics
Classification: Pathogenic for Severe myoclonic epilepsy in infancy. Last evaluated: 2019-05-28. Review status: criteria provided, single submitter. Criteria: Mendelics Assertion Criteria 2017. Collection method: clinical testing. Allele origin: unknown.

Literature cited by the submitters: PubMed 17347258 (cited by Labcorp Genetics (formerly Invitae), Labcorp); PubMed 18930999 (cited by Labcorp Genetics (formerly Invitae), Labcorp); PubMed 38221827 (cited by Labcorp Genetics (formerly Invitae), Labcorp).

NM_001165963.4(SCN1A):c.126dup (p.Asp43fs)

Gene: SCN1A (sodium voltage-gated channel alpha subunit 1; minus strand). Cytogenetic location: 2q24.3.
Variant type: Duplication.
Coding change: c.126dup on transcript NM_001165963.4 (MANE Select); coding-DNA position 126, one base duplicated (A; older notation c.126dupA).
Protein change: p.Asp43fs; shifts the reading frame from aspartic acid 43.
Molecular consequence: frameshift variant. On other transcripts: 5 prime UTR variant (1), non-coding transcript variant (1).
Genome position (GRCh38, 1-based): chr2:166,073,496, T duplicated on the plus strand (A on the coding strand, the reverse complement: SCN1A is on the minus strand); the first of 6 consecutive T bases (chr2:166,073,496-166,073,501); duplicating any one gives the same sequence. VCF-style (leftmost placement, unchanged base first): chr2-166073495-C-CT. GRCh37 (hg19) VCF-style: chr2-166930005-C-CT.
Other names: c.126dup, p.Asp43fs (NM_001165964.3, NM_001202435.3, NM_001353948.2 and 10 more transcripts); c.-2300dup (NM_001353961.2); short protein forms D43fs.
Identifiers: ClinVar variation 801826 (VCV000801826.2), dbSNP rs1553560831, ClinGen allele CA915942940.